The following is an entry in ClinVar:

NM_004924.6(ACTN4):c.773T>C (p.Met258Thr)

Gene: ACTN4 (actinin alpha 4; plus strand). Cytogenetic location: 19q13.2.
Variant type: single nucleotide variant.
Coding change: c.773T>C on transcript NM_004924.6 (MANE Select); coding-DNA position 773, T replaced by C.
Protein change: p.Met258Thr; replaces methionine 258 with threonine.
Molecular consequence: missense variant. On other transcripts: intron variant (3).
Genome position (GRCh38, 1-based): chr19:38,710,296, T>C. VCF-style: chr19-38710296-T-C. GRCh37 (hg19) VCF-style: chr19-39200936-T-C.
Other names: c.773T>C, p.Met258Thr (NM_001440296.1, NM_001440298.1); c.521T>C, p.Met174Thr (NM_001440299.1); c.733+820T>C (NM_001411143.1, NM_001322033.2, NM_001440300.1); short protein forms M174T, M258T.
Identifiers: ClinVar variation 4796795 (VCV004796795.1).

ClinVar aggregate classification (germline): Likely pathogenic (1 of 4 stars; one submission).

Conditions:
Focal segmental glomerulosclerosis 1 (FSGS1). Identifiers: Orphanet 656, MedGen C4551527, MONDO:0011303, OMIM 603278.

Submission:

MVZ Medizinische Genetik Mainz
Classification: Likely pathogenic for Focal segmental glomerulosclerosis 1. Last evaluated: 2026-01-23. Review status: criteria provided, single submitter. Criteria: UK Practice Guidelines For Variant Classification V4 01 2020. Collection method: clinical testing. Allele origin: germline. Inheritance: Autosomal dominant inheritance. Affected: yes. Observed: 1 variant allele.
Comment: ACMG Criteria: PP3_STR,PM2_SUP,PP2